The following is an entry in ClinVar:

NM_000245.4(MET):c.1263C>T (p.Thr421=)

Gene: MET (MET proto-oncogene, receptor tyrosine kinase; plus strand). Cytogenetic location: 7q31.2.
Variant type: single nucleotide variant.
Coding change: c.1263C>T on transcript NM_000245.4 (MANE Select); coding-DNA position 1263, C replaced by T.
Protein change: p.Thr421=; no amino-acid change (threonine 421 retained).
Molecular consequence: synonymous variant. On other transcripts: 5 prime UTR variant (1).
Genome position (GRCh38, 1-based): chr7:116,731,730, C>T. VCF-style: chr7-116731730-C-T. GRCh37 (hg19) VCF-style: chr7-116371784-C-T.
Other names: c.1263C>T, p.Thr421= (NM_001127500.3, NM_001324401.3); c.-28C>T (NM_001324402.2); c.1263C>T (NM_001127500.2).
Identifiers: ClinVar variation 184639 (VCV000184639.26), dbSNP rs45499391, ClinGen allele CA189536.

ClinVar aggregate classification (germline): Benign/Likely benign. Review status: criteria provided, multiple submitters, no conflicts (2 of 4 stars). 8 submissions from 8 submitters: Benign (3); Likely benign (4). 1 of the submissions does not count toward it. Last evaluated 2025-12-31.

Conditions:
Osteofibrous dysplasia (OSFD). Also called: Tibia, bowing of, with pseudarthrosis and pectus excavatum. Identifiers: Orphanet 488265, MedGen C4085248, MONDO:0011806, OMIM 607278.
Arthrogryposis, distal, IIa 11. Also called: Arthrogryposis, distal, type 11. Identifiers: MedGen C5774205, MONDO:0031045, OMIM 620019.
Hepatocellular carcinoma (HCC). Also called: Primary carcinoma of liver; HEPATOMA; LIVER CELL CARCINOMA. Identifiers: Orphanet 88673, MedGen C2239176, MONDO:0007256, OMIM 114550, HP:0001402.
Papillary renal cell carcinoma type 1 (RCCP1). Also called: Renal adenocarcinoma; Renal cell carcinoma 1; Renal cell carcinoma, somatic; RENAL CELL CARCINOMA, PAPILLARY, 1, SOMATIC. Identifiers: Orphanet 47044, MedGen C1336839, OMIM 605074, HP:0011797.
Autosomal recessive nonsyndromic hearing loss 97. Also called: Deafness, autosomal recessive 97. Identifiers: Orphanet 90636, MedGen C4084709, MONDO:0014739, OMIM 616705.
MET-related disorder. Also called: MET-related condition.
Renal cell carcinoma. Identifiers: Orphanet 217071, MedGen C0007134, MeSH D002292, MONDO:0005086, HP:0005584.
Hereditary cancer-predisposing syndrome. Also called: Hereditary neoplastic syndrome; Neoplastic Syndromes, Hereditary; Tumor predisposition; Hereditary Cancer Syndrome. Identifiers: Orphanet 140162, MedGen C0027672, MeSH D009386, MONDO:0015356.

Allele frequency attached by ClinVar (database versions not stated): 1000 Genomes Project 30x 0.00016; gnomAD 0.00016; ExAC 0.00018; 1000 Genomes Project 0.00020; TOPMed 0.00020.
gnomAD v4.1: 48 of 1,614,052 alleles (0.003%); highest among the groups gnomAD compares: East Asian, 0.1%; no homozygotes.

Submissions (8):

Labcorp Genetics (formerly Invitae), Labcorp
Classification: Benign for Renal cell carcinoma. Last evaluated: 2025-12-31. Review status: criteria provided, single submitter. Criteria: Invitae Variant Classification Sherloc (09022015). Collection method: clinical testing. Allele origin: germline.

ARUP Laboratories, Molecular Genetics and Genomics, ARUP Laboratories
Classification: Likely benign. Last evaluated: 2025-02-26. Review status: criteria provided, single submitter. Criteria: ARUP Molecular Germline Variant Investigation Process 2024. Collection method: clinical testing. Allele origin: germline.

Myriad Genetics, Inc.
Classification: Benign for Papillary renal cell carcinoma type 1. Last evaluated: 2024-11-07. Review status: criteria provided, single submitter. Criteria: Myriad Autosomal Dominant, Autosomal Recessive and X-Linked Classification Criteria (2023). Collection method: clinical testing. Allele origin: unknown.
Comment: This variant is considered benign. This variant is a silent/synonymous amino acid change and it is not expected to impact splicing.

Department of Pathology and Laboratory Medicine, Sinai Health System
Classification: Likely benign for Hepatocellular carcinoma; Papillary renal cell carcinoma type 1; Osteofibrous dysplasia; Autosomal recessive nonsyndromic hearing loss 97; Arthrogryposis, distal, IIa 11. Last evaluated: 2023-09-25. Review status: criteria provided, single submitter. Criteria: ACMG Guidelines, 2015. Collection method: clinical testing. Allele origin: germline. Affected: yes.

GeneDx
Classification: Likely benign. Last evaluated: 2021-05-13. Review status: criteria provided, single submitter. Criteria: GeneDx Variant Classification Process June 2021. Collection method: clinical testing. Allele origin: germline. Affected: yes.

Illumina Laboratory Services, Illumina
Classification: Benign for Papillary renal cell carcinoma type 1. Last evaluated: 2018-01-13. Review status: criteria provided, single submitter. Criteria: ICSL Variant Classification Criteria 13 December 2019. Collection method: clinical testing. Allele origin: germline.
Comment: This variant was observed in the ICSL laboratory as part of a predisposition screen in an ostensibly healthy population. It had not been previously curated by ICSL or reported in the Human Gene Mutation Database (HGMD: prior to June 1st, 2018), and was therefore a candidate for classification through an automated scoring system. Utilizing variant allele frequency, disease prevalence and penetrance estimates, and inheritance mode, an automated score was calculated to assess if this variant is too frequent to cause the disease. Based on the score and internal cut-off values, a variant classified as benign is not then subjected to further curation. The score for this variant resulted in a classification of benign for this disease.

Ambry Genetics
Classification: Likely benign for Hereditary cancer-predisposing syndrome. Last evaluated: 2014-12-22. Review status: criteria provided, single submitter. Criteria: Ambry Variant Classification Scheme 2023. Collection method: clinical testing. Allele origin: germline.

PreventionGenetics, part of Exact Sciences
Classification: Likely benign for MET-related condition. Last evaluated: 2024-08-27. Review status: no assertion criteria provided. Collection method: clinical testing. Allele origin: germline. Not counted in ClinVar's aggregate classification.
Comment: This variant is classified as likely benign based on ACMG/AMP sequence variant interpretation guidelines (Richards et al. 2015 PMID: 25741868, with internal and published modifications).